The following is an entry in ClinVar:

ClinVar aggregate classification (germline): Uncertain significance (1 of 4 stars; one submission).

Allele frequency attached by ClinVar (database versions not stated): TOPMed below 0.00001; gnomAD 0.00001; gnomAD exomes 0.00001; ExAC 0.00002; 1000 Genomes Project 0.00020; 1000 Genomes Project 30x 0.00031.

Submission:

Laboratory for Molecular Medicine, Mass General Brigham Personalized Medicine
Classification: Uncertain significance. Last evaluated: 2015-08-12. Review status: criteria provided, single submitter. Criteria: LMM Criteria. Collection method: clinical testing. Allele origin: germline. Observed: 1 variant allele.
Comment: The p.Leu1163Phe variant in DOCK8 has not been previously reported in individual s with pulmonary disease, but has been identified in 2/66688 European chromosome s by the Exome Aggregation Consortium (ExAC). Co mputational prediction tools and conservation analysis do not provide strong sup port for or against an impact to the protein. In summary, the clinical significa nce of the p.Leu1163Phe variant is uncertain.

NM_203447.4(DOCK8):c.3487C>T (p.Leu1163Phe)

Gene: DOCK8 (dedicator of cytokinesis 8; plus strand). Cytogenetic location: 9p24.3.
Variant type: single nucleotide variant.
Coding change: c.3487C>T on transcript NM_203447.4 (MANE Select); coding-DNA position 3487, C replaced by T.
Protein change: p.Leu1163Phe; replaces leucine 1163 with phenylalanine.
Molecular consequence: missense variant.
Genome position (GRCh38, 1-based): chr9:407,026, C>T. VCF-style: chr9-407026-C-T. GRCh37 (hg19) VCF-style: chr9-407026-C-T.
Other names: c.3187C>T, p.Leu1063Phe (NM_001190458.2); c.3283C>T, p.Leu1095Phe (NM_001193536.2); short protein forms L1163F, L1095F, L1063F.
Identifiers: ClinVar variation 228616 (VCV000228616.4), dbSNP rs577097803, ClinGen allele CA4958701.
Genomic context (GRCh38, chr9:407,026, plus strand): 5'-ATCGCCAGCATGTTCGATCTGACTTCCGAGTACCGCCAGCAGCACTTCCTCACCGGGCTC[C>T]TCTTCACAGAACTGGCTGCTGCCCTGGATGCCGAAGGGGAAGGGTATGTTTCTGGCATTT-3'
Protein context (NP_982272.2, residues 1153-1173): YRQQHFLTGL[Leu1163Phe]FTELAAALDA